The following is an entry in ClinVar:

NM_005461.5(MAFB):c.*1019A>G

Gene: MAFB (MAF bZIP transcription factor B; minus strand). Cytogenetic location: 20q12.
Variant type: single nucleotide variant.
Coding change: c.*1019A>G on transcript NM_005461.5 (MANE Select); 1019 bases downstream of the stop codon, A replaced by G.
Molecular consequence: 3 prime UTR variant.
Genome position (GRCh38, 1-based): chr20:40,686,860, T>C on the plus strand (A>G on the coding strand, the complement: MAFB is on the minus strand). VCF-style: chr20-40686860-T-C. GRCh37 (hg19) VCF-style: chr20-39315500-T-C.
Identifiers: ClinVar variation 338391 (VCV000338391.5), dbSNP rs545693248, ClinGen allele CA10643848.

ClinVar aggregate classification (germline): Benign (1 of 4 stars; one submission).

Conditions:
Multicentric carpo-tarsal osteolysis with or without nephropathy. Also called: Multicentric Osteolysis of Carpal Bones and Nephropathy; OSTEOLYSIS, HEREDITARY, OF CARPAL BONES WITH OR WITHOUT NEPHROPATHY; Carnevale Canun Mendoza syndrome; MULTICENTRIC OSTEOLYSIS, AUTOSOMAL DOMINANT; Multicentric Carpotarsal Osteolysis with or without Nephropathy; MULTICENTRIC CARPOTARSAL OSTEOLYSIS SYNDROME. Identifiers: Orphanet 2774, MedGen C2674705, MONDO:0008152, OMIM 166300.

Allele frequency attached by ClinVar (database versions not stated): gnomAD below 0.00001 and 0.00008; TOPMed 0.00003; gnomAD exomes 0.00006; 1000 Genomes Project 30x 0.00031; 1000 Genomes Project 0.00040.

Submission:

Illumina Laboratory Services, Illumina
Classification: Benign for Multicentric carpo-tarsal osteolysis with or without nephropathy. Last evaluated: 2018-01-12. Review status: criteria provided, single submitter. Criteria: ICSL Variant Classification Criteria 13 December 2019. Collection method: clinical testing. Allele origin: germline.
Comment: This variant was observed in the ICSL laboratory as part of a predisposition screen in an ostensibly healthy population. It had not been previously curated by ICSL or reported in the Human Gene Mutation Database (HGMD: prior to June 1st, 2018), and was therefore a candidate for classification through an automated scoring system. Utilizing variant allele frequency, disease prevalence and penetrance estimates, and inheritance mode, an automated score was calculated to assess if this variant is too frequent to cause the disease. Based on the score and internal cut-off values, a variant classified as benign is not then subjected to further curation. The score for this variant resulted in a classification of benign for this disease.